The following is an entry in ClinVar:

ClinVar aggregate classification (germline): Uncertain significance (1 of 4 stars; one submission).

Conditions:
Arrhythmogenic right ventricular dysplasia 11. Also called: Arrhythmogenic right ventricular dysplasia 11 with mild palmoplantar keratoderma and woolly hair; Arrhythmogenic Right Ventricular Dysplasia/Cardiomyopathy11; ARRHYTHMOGENIC RIGHT VENTRICULAR DYSPLASIA, FAMILIAL, 11. Identifiers: MedGen C1864850, MONDO:0012506, OMIM 610476.

Submission:

Labcorp Genetics (formerly Invitae), Labcorp
Classification: Uncertain significance for Arrhythmogenic right ventricular dysplasia 11. Last evaluated: 2022-01-11. Review status: criteria provided, single submitter. Criteria: Invitae Variant Classification Sherloc (09022015). Collection method: clinical testing. Allele origin: germline.
Comment: This sequence change replaces alanine, which is neutral and non-polar, with glycine, which is neutral and non-polar, at codon 447 of the DSC2 protein (p.Ala447Gly). This variant is not present in population databases (gnomAD no frequency). This variant has not been reported in the literature in individuals affected with DSC2-related conditions. Algorithms developed to predict the effect of missense changes on protein structure and function output the following: SIFT: "Tolerated"; PolyPhen-2: "Benign"; Align-GVGD: "Class C0". The glycine amino acid residue is found in multiple mammalian species, which suggests that this missense change does not adversely affect protein function. Algorithms developed to predict the effect of sequence changes on RNA splicing suggest that this variant may create or strengthen a splice site. In summary, the available evidence is currently insufficient to determine the role of this variant in disease. Therefore, it has been classified as a Variant of Uncertain Significance.

NM_024422.6(DSC2):c.1340C>G (p.Ala447Gly)

Gene: DSC2 (desmocollin 2; minus strand). Cytogenetic location: 18q12.1.
Variant type: single nucleotide variant.
Coding change: c.1340C>G on transcript NM_024422.6 (MANE Select); coding-DNA position 1340, C replaced by G.
Protein change: p.Ala447Gly; replaces alanine 447 with glycine.
Molecular consequence: missense variant.
Genome position (GRCh38, 1-based): chr18:31,080,276, G>C on the plus strand (C>G on the coding strand, the complement: DSC2 is on the minus strand). VCF-style: chr18-31080276-G-C. GRCh37 (hg19) VCF-style: chr18-28660242-G-C.
Other names: c.911C>G, p.Ala304Gly (NM_001406506.1, NM_001406507.1); c.1340C>G, p.Ala447Gly (NM_004949.5); short protein forms A304G, A447G.
Identifiers: ClinVar variation 2078865 (VCV002078865.4), dbSNP rs2510947108, ClinGen allele CA402108707.